The following is an entry in ClinVar:

NM_001478.5(B4GALNT1):c.252C>A (p.Ser84=)

Gene: B4GALNT1 (beta-1,4-N-acetyl-galactosaminyltransferase 1; minus strand). Cytogenetic location: 12q13.3.
Variant type: single nucleotide variant.
Coding change: c.252C>A on transcript NM_001478.5 (MANE Select); coding-DNA position 252, C replaced by A.
Protein change: p.Ser84=; no amino-acid change (serine 84 retained).
Molecular consequence: synonymous variant. On other transcripts: intron variant (6).
Genome position (GRCh38, 1-based): chr12:57,631,331, G>T on the plus strand (C>A on the coding strand, the complement: B4GALNT1 is on the minus strand). VCF-style: chr12-57631331-G-T. GRCh37 (hg19) VCF-style: chr12-58025114-G-T.
Other names: c.252C>A, p.Ser84= (NM_001276469.2, NM_001413967.1, NM_001413968.1 and 9 more transcripts); c.219-245C>A (NM_001413978.1, NM_001276468.2); c.-660+8C>A (NM_001413984.1, NM_001413982.1, NM_001413981.1 and 1 more transcripts).
Identifiers: ClinVar variation 1879240 (VCV001879240.29), dbSNP rs2540678019, ClinGen allele CA480400977.
Genomic context (GRCh38, chr12:57,631,331, plus strand): 5'-CTTGGTGAGGTCAATAGCTCGGACTTGTTTCTGGAAGGGGAGGGGGAGGCCCCCCCCACT[G>T]GACTCACAACTGCAGTTGTTCCAAGCCAGCAGCCTGAAGGGGGTAGGTAGTGAGGGTCAT-3'
Protein context (NP_001469.1, residues 74-94): LLAWNNCSCE[Ser84=]SGGGLPLPFQ

ClinVar aggregate classification (germline): Likely benign (1 of 4 stars; one submission).

Submission:

CeGaT Center for Human Genetics Tuebingen
Classification: Likely benign. Last evaluated: 2022-10-01. Review status: criteria provided, single submitter. Criteria: CeGaT Center For Human Genetics Tuebingen Variant Classification Criteria Version 2. Collection method: clinical testing. Allele origin: germline. Affected: yes. Observed: 1 variant allele.
Comment: B4GALNT1: PM2:Supporting, BP4, BP7